The following is an entry in ClinVar:

ClinVar aggregate classification (germline): Uncertain significance. Review status: criteria provided, multiple submitters, no conflicts (2 of 4 stars). 2 submissions from 2 submitters: Uncertain significance (2). Last evaluated 2025-08-05.

Conditions:
Centromeric instability of chromosomes 1,9 and 16 and immunodeficiency (ICF1). Also called: Immunodeficiency-centromeric instability-facial anomalies; CENTROMERIC INSTABILITY, IMMUNODEFICIENCY SYNDROME; IMMUNE DEFICIENCY, VARIABLE, WITH CENTROMERIC INSTABILITY OF CHROMOSOMES 1, 9, AND 16; IMMUNODEFICIENCY SYNDROME, VARIABLE. Identifiers: Orphanet 2268, MedGen C0398788, MONDO:0000133.
Inborn genetic diseases. Identifiers: MedGen C0950123, MeSH D030342.

Allele frequency attached by ClinVar (database versions not stated): ExAC 0.00002; gnomAD exomes 0.00002; ESP Exome Variant Server 0.00008; gnomAD 0.00015; TOPMed 0.00023.
gnomAD v4.1: 67 of 1,614,198 alleles (0.0042%); highest among the groups gnomAD compares: African/African-American, 0.061%; no homozygotes.

Submissions (2):

Ambry Genetics
Classification: Uncertain significance for Inborn genetic diseases. Last evaluated: 2025-08-05. Review status: criteria provided, single submitter. Criteria: Ambry Variant Classification Scheme 2023. Collection method: clinical testing. Allele origin: germline.

Labcorp Genetics (formerly Invitae), Labcorp
Classification: Uncertain significance for Centromeric instability of chromosomes 1,9 and 16 and immunodeficiency. Last evaluated: 2022-09-27. Review status: criteria provided, single submitter. Criteria: Invitae Variant Classification Sherloc (09022015). Collection method: clinical testing. Allele origin: germline.
Comment: This sequence change replaces proline, which is neutral and non-polar, with serine, which is neutral and polar, at codon 396 of the DNMT3B protein (p.Pro396Ser). This variant is present in population databases (rs138171867, gnomAD 0.05%). This variant has not been reported in the literature in individuals affected with DNMT3B-related conditions. ClinVar contains an entry for this variant (Variation ID: 948251). Advanced modeling of protein sequence and biophysical properties (such as structural, functional, and spatial information, amino acid conservation, physicochemical variation, residue mobility, and thermodynamic stability) performed at Invitae indicates that this missense variant is not expected to disrupt DNMT3B protein function. In summary, the available evidence is currently insufficient to determine the role of this variant in disease. Therefore, it has been classified as a Variant of Uncertain Significance.

NM_006892.4(DNMT3B):c.1186C>T (p.Pro396Ser)

Gene: DNMT3B (DNA methyltransferase 3 beta; plus strand). Cytogenetic location: 20q11.21.
Variant type: single nucleotide variant.
Coding change: c.1186C>T on transcript NM_006892.4 (MANE Select); coding-DNA position 1186, C replaced by T.
Protein change: p.Pro396Ser; replaces proline 396 with serine.
Molecular consequence: missense variant.
Genome position (GRCh38, 1-based): chr20:32,795,468, C>T. VCF-style: chr20-32795468-C-T. GRCh37 (hg19) VCF-style: chr20-31383274-C-T.
Other names: c.1000C>T, p.Pro334Ser (NM_001207055.2); c.898C>T, p.Pro300Ser (NM_001207056.2); c.1126C>T, p.Pro376Ser (NM_175848.2, NM_175849.2); c.1162C>T, p.Pro388Ser (NM_175850.3); short protein forms P376S, P388S, P300S, P334S, P396S.
Identifiers: ClinVar variation 948251 (VCV000948251.9), dbSNP rs138171867, ClinGen allele CA9810457.
Genomic context (GRCh38, chr20:32,795,468, plus strand): 5'-GAGAACAAGACTCGAAGACGCACAGCTGACGACTCAGCCACCTCTGACTACTGCCCCGCA[C>T]CCAAGCGCCTCAAGACAAATTGCTATAACAACGGCAAAGACCGAGGGGATGAAGATCAGA-3'
Protein context (NP_008823.1, residues 386-406): DSATSDYCPA[Pro396Ser]KRLKTNCYNN